The following is an entry in ClinVar:

NM_194454.3(KRIT1):c.1730+6T>G

Gene: KRIT1 (KRIT1 ankyrin repeat containing; minus strand). Cytogenetic location: 7q21.2.
Variant type: single nucleotide variant.
Coding change: c.1730+6T>G on transcript NM_194454.3 (MANE Select); 6 bases into the intron after coding-DNA position 1730, T replaced by G.
Molecular consequence: intron variant.
Genome position (GRCh38, 1-based): chr7:92,214,605, A>C on the plus strand (T>G on the coding strand, the complement: KRIT1 is on the minus strand). VCF-style: chr7-92214605-A-C. GRCh37 (hg19) VCF-style: chr7-91843919-A-C.
Other names: c.1730+6T>G (NM_001350674.1, NM_001350680.1, NM_001350678.1 and 26 more transcripts); c.1586+6T>G (NM_001013406.2, NM_001350670.1, NM_001350669.1); c.1016+6T>G (NM_001350671.1).
Identifiers: ClinVar variation 468213 (VCV000468213.7), dbSNP rs1554504391, ClinGen allele CA658657682.

ClinVar aggregate classification (germline): Uncertain significance (1 of 4 stars; one submission).

Conditions:
Cerebral cavernous malformation (CCM). Also called: CAVERNOUS ANGIOMA, FAMILIAL; CAVERNOUS ANGIOMATOUS MALFORMATIONS; CEREBRAL CAPILLARY MALFORMATIONS; Cerebral cavernous malformations; Cavernous Hemangioma of Brain; Cerebral cavernous hemangioma (type). Identifiers: Orphanet 221061, MedGen C2919945, MONDO:0000820, OMIM 116860, HP:0033522.

Submission:

Labcorp Genetics (formerly Invitae), Labcorp
Classification: Uncertain significance for Cerebral cavernous malformation. Last evaluated: 2017-10-18. Review status: criteria provided, single submitter. Criteria: Invitae Variant Classification Sherloc (09022015). Collection method: clinical testing. Allele origin: germline.
Comment: This sequence change falls in intron 16 of the KRIT1 gene. It does not directly change the encoded amino acid sequence of the KRIT1 protein, but it affects a nucleotide within the consensus splice site of the intron. This variant is not present in population databases (ExAC no frequency). This variant has not been reported in the literature in individuals with KRIT1-related disease. Nucleotide substitutions within the consensus splice site are relatively common causes of aberrant splicing (PMID: 17576681, 9536098). Algorithms developed to predict the effect of sequence changes on RNA splicing suggest that this variant may disrupt the consensus splice site, but this prediction has not been confirmed by published transcriptional studies. In summary, the available evidence is currently insufficient to determine the role of this variant in disease. Therefore, it has been classified as a Variant of Uncertain Significance.

Literature cited by the submitters: PubMed 17576681; PubMed 9536098.